The following is an entry in ClinVar:

NM_000264.5(PTCH1):c.174C>T (p.Ala58=)

Gene: PTCH1 (patched 1; minus strand). Cytogenetic location: 9q22.32.
Variant type: single nucleotide variant.
Coding change: c.174C>T on transcript NM_000264.5 (MANE Select); coding-DNA position 174, C replaced by T.
Protein change: p.Ala58=; no amino-acid change (alanine 58 retained).
Molecular consequence: synonymous variant. On other transcripts: non-coding transcript variant (1), intron variant (3).
Genome position (GRCh38, 1-based): chr9:95,508,188, G>A on the plus strand (C>T on the coding strand, the complement: PTCH1 is on the minus strand). VCF-style: chr9-95508188-G-A. GRCh37 (hg19) VCF-style: chr9-98270470-G-A.
Other names: c.174C>T, p.Ala58= (NM_001354918.2); c.199-1589C>T (NM_001083603.3); c.4-1589C>T (NM_001083602.3, NM_001354919.2).
Identifiers: ClinVar variation 237458 (VCV000237458.20), dbSNP rs368563182, ClinGen allele CA5139033.

ClinVar aggregate classification (germline): Benign/Likely benign. Review status: criteria provided, multiple submitters, no conflicts (2 of 4 stars). 5 submissions from 5 submitters: Benign (2); Likely benign (2). 1 of the submissions does not count toward it. Last evaluated 2026-01-21.

Conditions:
Basal cell carcinoma, susceptibility to, 1. Also called: BCC1. Identifiers: MedGen C2751544, MONDO:0011556, OMIM 605462.
Holoprosencephaly 7 (HPE7). Identifiers: Orphanet 2162, MedGen C1835820, MONDO:0012562, OMIM 610828.
Basal cell nevus syndrome 1 (BCNS1). Also called: GORLIN-GOLTZ SYNDROME; MULTIPLE BASAL CELL NEVI, ODONTOGENIC KERATOCYSTS, AND SKELETAL ANOMALIES. Identifiers: MedGen CN376810, MONDO:0958174, OMIM 109400.
PTCH1-related disorder. Also called: PTCH1-related disorders; PTCH1-related condition.
Hereditary cancer-predisposing syndrome. Also called: Tumor predisposition; Hereditary Cancer Syndrome; Hereditary neoplastic syndrome; Neoplastic Syndromes, Hereditary. Identifiers: Orphanet 140162, MedGen C0027672, MeSH D009386, MONDO:0015356.
Gorlin syndrome. Also called: Nevoid Basal Cell Carcinoma Syndrome; Basal cell nevus syndrome. Identifiers: Orphanet 377, MedGen C0004779, MONDO:0007187.

Allele frequency attached by ClinVar (database versions not stated): gnomAD exomes 0.00004 and 0.00014; ExAC 0.00005; TOPMed 0.00005; ESP Exome Variant Server 0.00008; gnomAD 0.00008 and 0.00009.
gnomAD v4.1: 209 of 1,612,616 alleles (0.013%); highest among the groups gnomAD compares: Non-Finnish European, 0.017%; no homozygotes.

Submissions (5):

Labcorp Genetics (formerly Invitae), Labcorp
Classification: Benign for Gorlin syndrome. Last evaluated: 2026-01-21. Review status: criteria provided, single submitter. Criteria: Invitae Variant Classification Sherloc (09022015). Collection method: clinical testing. Allele origin: germline.

Department of Pathology and Laboratory Medicine, Sinai Health System
Classification: Likely benign for Basal cell nevus syndrome 1; Basal cell carcinoma, susceptibility to, 1; Holoprosencephaly 7. Last evaluated: 2024-07-31. Review status: criteria provided, single submitter. Criteria: ACMG Guidelines, 2015. Collection method: clinical testing. Allele origin: germline.

Sema4
Classification: Benign for Hereditary cancer-predisposing syndrome. Last evaluated: 2021-05-28. Review status: criteria provided, single submitter. Criteria: Sema4 Curation Guidelines. Collection method: curation. Allele origin: germline.

Ambry Genetics
Classification: Likely benign for Hereditary cancer-predisposing syndrome. Last evaluated: 2017-04-04. Review status: criteria provided, single submitter. Criteria: Ambry Variant Classification Scheme 2023. Collection method: clinical testing. Allele origin: germline.

PreventionGenetics, part of Exact Sciences
Classification: Likely benign for PTCH1-related condition. Last evaluated: 2019-03-27. Review status: no assertion criteria provided. Collection method: clinical testing. Allele origin: germline. Not counted in ClinVar's aggregate classification.
Comment: This variant is classified as likely benign based on ACMG/AMP sequence variant interpretation guidelines (Richards et al. 2015 PMID: 25741868, with internal and published modifications).